The following is an entry in ClinVar:

ClinVar aggregate classification (germline): Likely pathogenic (1 of 4 stars; one submission).

Conditions:
Primary ciliary dyskinesia 3. Identifiers: Orphanet 244, MedGen C1837618, MONDO:0012085, OMIM 608644.

Submission:

Myriad Genetics, Inc.
Classification: Likely pathogenic for Primary ciliary dyskinesia 3. Last evaluated: 2022-03-30. Review status: criteria provided, single submitter. Criteria: Myriad Women's Health Autosomal Recessive and X-Linked Classification Criteria (2021). Collection method: clinical testing. Allele origin: unknown.
Comment: NM_001369.2(DNAH5):c.9555T>A(Y3185*) is expected to be pathogenic in the context of DNAH5-related primary ciliary dyskinesia. This variant is predicted to lead to an abnormal or absent protein product due to the creation of a premature termination codon in DNAH5, a gene where loss-of-function variants are known to be pathogenic. Please note: this variant was assessed in the context of healthy population screening.

NM_001369.3(DNAH5):c.9555T>A (p.Tyr3185Ter)

Gene: DNAH5 (dynein axonemal heavy chain 5; minus strand). Cytogenetic location: 5p15.2.
Variant type: single nucleotide variant.
Coding change: c.9555T>A on transcript NM_001369.3 (MANE Select); coding-DNA position 9555, T replaced by A.
Protein change: p.Tyr3185Ter; replaces tyrosine 3185 with a stop codon.
Molecular consequence: nonsense.
Genome position (GRCh38, 1-based): chr5:13,770,799, A>T on the plus strand (T>A on the coding strand, the complement: DNAH5 is on the minus strand). VCF-style: chr5-13770799-A-T. GRCh37 (hg19) VCF-style: chr5-13770908-A-T.
Other names: short protein forms Y3185*.
Identifiers: ClinVar variation 1725632 (VCV001725632.2), dbSNP rs2546662839, ClinGen allele CA359204347.